The following is an entry in ClinVar:

ClinVar aggregate classification (germline): Uncertain significance. Review status: criteria provided, multiple submitters, no conflicts (2 of 4 stars). 2 submissions from 2 submitters: Uncertain significance (2). Last evaluated 2024-02-08.

Conditions:
Cardiovascular phenotype. Identifiers: MedGen CN230736.

Allele frequency attached by ClinVar (database versions not stated): TOPMed below 0.00001.

Submissions (2):

Labcorp Genetics (formerly Invitae), Labcorp
Classification: Uncertain significance. Last evaluated: 2024-02-08. Review status: criteria provided, single submitter. Criteria: Invitae Variant Classification Sherloc (09022015). Collection method: clinical testing. Allele origin: germline.
Comment: This sequence change replaces threonine, which is neutral and polar, with isoleucine, which is neutral and non-polar, at codon 189 of the LOX protein (p.Thr189Ile). This variant is not present in population databases (gnomAD no frequency). This variant has not been reported in the literature in individuals affected with LOX-related conditions. ClinVar contains an entry for this variant (Variation ID: 2624781). Advanced modeling of protein sequence and biophysical properties (such as structural, functional, and spatial information, amino acid conservation, physicochemical variation, residue mobility, and thermodynamic stability) performed at Invitae indicates that this missense variant is not expected to disrupt LOX protein function with a negative predictive value of 80%. In summary, the available evidence is currently insufficient to determine the role of this variant in disease. Therefore, it has been classified as a Variant of Uncertain Significance.

Ambry Genetics
Classification: Uncertain significance for Cardiovascular phenotype. Last evaluated: 2023-07-26. Review status: criteria provided, single submitter. Criteria: Ambry Variant Classification Scheme 2023. Collection method: clinical testing. Allele origin: germline.
Comment: The p.T189I variant (also known as c.566C>T), located in coding exon 1 of the LOX gene, results from a C to T substitution at nucleotide position 566. The threonine at codon 189 is replaced by isoleucine, an amino acid with similar properties. This amino acid position is conserved. In addition, this alteration is predicted to be tolerated by in silico analysis. Since supporting evidence is limited at this time, the clinical significance of this alteration remains unclear.

NM_002317.7(LOX):c.566C>T (p.Thr189Ile)

Genes: LOX (lysyl oxidase; minus strand), SRFBP1 (serum response factor binding protein 1; plus strand). Cytogenetic location: 5q23.1.
Variant type: single nucleotide variant.
Coding change: c.566C>T on transcript NM_002317.7 (MANE Select); coding-DNA position 566, C replaced by T.
Protein change: p.Thr189Ile; replaces threonine 189 with isoleucine.
Molecular consequence: missense variant.
Genome position (GRCh38, 1-based): chr5:122,077,420, G>A on the plus strand (C>T on the coding strand, the complement: LOX is on the minus strand). VCF-style: chr5-122077420-G-A. GRCh37 (hg19) VCF-style: chr5-121413115-G-A.
Other names: short protein forms T189I.
Identifiers: ClinVar variation 2624781 (VCV002624781.4), dbSNP rs1754669870, ClinGen allele CA360875651.